The following is an entry in ClinVar:

ClinVar aggregate classification (germline): Uncertain significance (1 of 4 stars; one submission).

Allele frequency attached by ClinVar (database versions not stated): gnomAD exomes 0.00001; gnomAD 0.00002; TOPMed 0.00002.
gnomAD v4.1: 22 of 1,614,046 alleles (0.0014%); highest among the groups gnomAD compares: Non-Finnish European, 0.0019%; no homozygotes.

Submission:

Labcorp Genetics (formerly Invitae), Labcorp
Classification: Uncertain significance. Last evaluated: 2022-03-10. Review status: criteria provided, single submitter. Criteria: Invitae Variant Classification Sherloc (09022015). Collection method: clinical testing. Allele origin: germline.
Comment: This sequence change replaces leucine, which is neutral and non-polar, with phenylalanine, which is neutral and non-polar, at codon 647 of the CNGA3 protein (p.Leu647Phe). This variant is not present in population databases (gnomAD no frequency). In summary, the available evidence is currently insufficient to determine the role of this variant in disease. Therefore, it has been classified as a Variant of Uncertain Significance. Advanced modeling of protein sequence and biophysical properties (such as structural, functional, and spatial information, amino acid conservation, physicochemical variation, residue mobility, and thermodynamic stability) performed at Invitae indicates that this missense variant is expected to disrupt CNGA3 protein function. This variant has not been reported in the literature in individuals affected with CNGA3-related conditions.

NM_001298.3(CNGA3):c.1939C>T (p.Leu647Phe)

Gene: CNGA3 (cyclic nucleotide gated channel subunit alpha 3; plus strand). Cytogenetic location: 2q11.2.
Variant type: single nucleotide variant.
Coding change: c.1939C>T on transcript NM_001298.3 (MANE Select); coding-DNA position 1939, C replaced by T.
Protein change: p.Leu647Phe; replaces leucine 647 with phenylalanine.
Molecular consequence: missense variant.
Genome position (GRCh38, 1-based): chr2:98,397,109, C>T. VCF-style: chr2-98397109-C-T. GRCh37 (hg19) VCF-style: chr2-99013572-C-T.
Other names: c.1885C>T, p.Leu629Phe (NM_001079878.2); short protein forms L629F, L647F.
Identifiers: ClinVar variation 1484496 (VCV001484496.8), dbSNP rs761112764, ClinGen allele CA52636109.